The following is an entry in ClinVar:

NM_001256789.3(CACNA1F):c.3482G>T (p.Arg1161Leu)

Gene: CACNA1F (calcium voltage-gated channel subunit alpha1 F; minus strand). Cytogenetic location: Xp11.23.
Variant type: single nucleotide variant.
Coding change: c.3482G>T on transcript NM_001256789.3 (MANE Select); coding-DNA position 3482, G replaced by T.
Protein change: p.Arg1161Leu; replaces arginine 1161 with leucine.
Molecular consequence: missense variant.
Genome position (GRCh38, 1-based): chrX:49,215,201, C>A on the plus strand (G>T on the coding strand, the complement: CACNA1F is on the minus strand). VCF-style: chrX-49215201-C-A. GRCh37 (hg19) VCF-style: chrX-49071661-C-A.
Other names: c.3320G>T, p.Arg1107Leu (NM_001256790.3); c.3515G>T, p.Arg1172Leu (NM_005183.4); short protein forms R1161L, R1172L, R1107L.
Identifiers: ClinVar variation 1928677 (VCV001928677.5), dbSNP rs782553928, ClinGen allele CA10410439.

ClinVar aggregate classification (germline): Uncertain significance (1 of 4 stars; one submission).

gnomAD v4.1: 1 of 1,210,801 alleles (0.000083%); highest among the groups gnomAD compares: Admixed American, 0.0022%; no homozygotes.

Submission:

Labcorp Genetics (formerly Invitae), Labcorp
Classification: Uncertain significance. Last evaluated: 2022-10-14. Review status: criteria provided, single submitter. Criteria: Invitae Variant Classification Sherloc (09022015). Collection method: clinical testing. Allele origin: germline.
Comment: In summary, the available evidence is currently insufficient to determine the role of this variant in disease. Therefore, it has been classified as a Variant of Uncertain Significance. Advanced modeling of protein sequence and biophysical properties (such as structural, functional, and spatial information, amino acid conservation, physicochemical variation, residue mobility, and thermodynamic stability) performed at Invitae indicates that this missense variant is not expected to disrupt CACNA1F protein function. This variant has not been reported in the literature in individuals affected with CACNA1F-related conditions. This variant is present in population databases (rs782553928, gnomAD 0.004%). This sequence change replaces arginine, which is basic and polar, with leucine, which is neutral and non-polar, at codon 1172 of the CACNA1F protein (p.Arg1172Leu).